The following is an entry in ClinVar:

ClinVar aggregate classification (germline): Uncertain significance (1 of 4 stars; one submission).

Conditions:
ALG6-congenital disorder of glycosylation 1C (CDG1C). Also called: Congenital disorder of glycosylation, type Ic; CDG Ic; CARBOHYDRATE-DEFICIENT GLYCOPROTEIN SYNDROME, TYPE I, WITH DEFICIENT GLYCOSYLATION OF DOLICHOL-LINKED OLIGOSACCHARIDE; CARBOHYDRATE-DEFICIENT GLYCOPROTEIN SYNDROME, TYPE V; Congenital disorder of glycosylation type 1C. Identifiers: Orphanet 79320, MedGen C2930997, MONDO:0011291, OMIM 603147.

Allele frequency attached by ClinVar (database versions not stated): gnomAD exomes below 0.00001 and 0.00001; TOPMed below 0.00001.
gnomAD v4.1: 5 of 1,612,918 alleles (0.00031%); highest among the groups gnomAD compares: Admixed American, 0.0033%; no homozygotes.

Submission:

Labcorp Genetics (formerly Invitae), Labcorp
Classification: Uncertain significance for ALG6-congenital disorder of glycosylation 1C. Last evaluated: 2021-08-02. Review status: criteria provided, single submitter. Criteria: Invitae Variant Classification Sherloc (09022015). Collection method: clinical testing. Allele origin: germline.
Comment: This sequence change replaces methionine with valine at codon 377 of the ALG6 protein (p.Met377Val). The methionine residue is highly conserved and there is a small physicochemical difference between methionine and valine. This variant is not present in population databases (ExAC no frequency). This variant has not been reported in the literature in individuals affected with ALG6-related conditions. Algorithms developed to predict the effect of missense changes on protein structure and function are either unavailable or do not agree on the potential impact of this missense change (SIFT: "Deleterious"; PolyPhen-2: "Possibly Damaging"; Align-GVGD: "Class C0"). In summary, the available evidence is currently insufficient to determine the role of this variant in disease. Therefore, it has been classified as a Variant of Uncertain Significance.

NM_013339.4(ALG6):c.1129A>G (p.Met377Val)

Gene: ALG6 (ALG6 alpha-1,3-glucosyltransferase; plus strand). Cytogenetic location: 1p31.3.
Variant type: single nucleotide variant.
Coding change: c.1129A>G on transcript NM_013339.4 (MANE Select); coding-DNA position 1129, A replaced by G.
Protein change: p.Met377Val; replaces methionine 377 with valine.
Molecular consequence: missense variant.
Genome position (GRCh38, 1-based): chr1:63,428,929, A>G. VCF-style: chr1-63428929-A-G. GRCh37 (hg19) VCF-style: chr1-63894600-A-G.
Other names: short protein forms M377V.
Identifiers: ClinVar variation 1395695 (VCV001395695.3), dbSNP rs934616664, ClinGen allele CA23811844.
Genomic context (GRCh38, chr1:63,428,929, plus strand): 5'-AAGTGGTTATGGTTTGAATTGATAATTCTCTTGTGATTTTTAAAAATTTTCCTTTACAGT[A>G]TGCTACCTCTTCTATTGAAGGATGAACTCCTAATGCCCTCTGTTGTGACAACAATGGCAT-3'
Protein context (NP_037471.2, residues 367-387): TWFLLVSTFS[Met377Val]LPLLLKDELL